The following is an entry in ClinVar:

NM_003489.4(NRIP1):c.3382C>T (p.His1128Tyr)

Gene: NRIP1 (nuclear receptor interacting protein 1; minus strand). Cytogenetic location: 21q11.2.
Variant type: single nucleotide variant.
Coding change: c.3382C>T on transcript NM_003489.4 (MANE Select); coding-DNA position 3382, C replaced by T.
Protein change: p.His1128Tyr; replaces histidine 1128 with tyrosine.
Molecular consequence: missense variant.
Genome position (GRCh38, 1-based): chr21:14,964,811, G>A on the plus strand (C>T on the coding strand, the complement: NRIP1 is on the minus strand). VCF-style: chr21-14964811-G-A. GRCh37 (hg19) VCF-style: chr21-16337132-G-A.
Other names: short protein forms H1128Y.
Identifiers: ClinVar variation 3671944 (VCV003671944.2).

ClinVar aggregate classification (germline): Uncertain significance (1 of 4 stars; one submission).

Submission:

Labcorp Genetics (formerly Invitae), Labcorp
Classification: Uncertain significance. Last evaluated: 2025-02-17. Review status: criteria provided, single submitter. Criteria: Invitae Variant Classification Sherloc (09022015). Collection method: clinical testing. Allele origin: germline.
Comment: This sequence change replaces histidine, which is basic and polar, with tyrosine, which is neutral and polar, at codon 1128 of the NRIP1 protein (p.His1128Tyr). This variant is not present in population databases (gnomAD no frequency). This variant has not been reported in the literature in individuals affected with NRIP1-related conditions. An algorithm developed to predict the effect of missense changes on protein structure and function (PolyPhen-2) suggests that this variant is likely to be disruptive. In summary, the available evidence is currently insufficient to determine the role of this variant in disease. Therefore, it has been classified as a Variant of Uncertain Significance.